The following is an entry in ClinVar:

ClinVar aggregate classification (germline): Uncertain significance (1 of 4 stars; one submission).

Conditions:
Inborn genetic diseases. Identifiers: MedGen C0950123, MeSH D030342.

Submission:

Ambry Genetics
Classification: Uncertain significance for Inborn genetic diseases. Last evaluated: 2026-03-23. Review status: criteria provided, single submitter. Criteria: Ambry Variant Classification Scheme 2023. Collection method: clinical testing. Allele origin: germline.
Comment: The p.R21W variant (also known as c.61A>T), located in coding exon 1 of the ANKRD26 gene, results from an A to T substitution at nucleotide position 61. The arginine at codon 21 is replaced by tryptophan, an amino acid with dissimilar properties. This amino acid position is conserved. In addition, this alteration is predicted to be tolerated by in silico analysis. Based on the available evidence, the clinical significance of this variant remains unclear.

NM_014915.3(ANKRD26):c.61A>T (p.Arg21Trp)

Genes: ANKRD26 (ankyrin repeat domain 26; minus strand), LOC130003554 (ATAC-STARR-seq lymphoblastoid silent region 2243; plus strand). Cytogenetic location: 10p12.1.
Variant type: single nucleotide variant.
Coding change: c.61A>T on transcript NM_014915.3 (MANE Select); coding-DNA position 61, A replaced by T.
Protein change: p.Arg21Trp; replaces arginine 21 with tryptophan.
Molecular consequence: missense variant.
Genome position (GRCh38, 1-based): chr10:27,100,266, T>A on the plus strand (A>T on the coding strand, the complement: ANKRD26 is on the minus strand). VCF-style: chr10-27100266-T-A. GRCh37 (hg19) VCF-style: chr10-27389195-T-A.
Other names: c.61A>T, p.Arg21Trp (NM_001256053.2); short protein forms R21W.
Identifiers: ClinVar variation 4859104 (VCV004859104.1).